The following is an entry in ClinVar:

ClinVar aggregate classification (germline): Uncertain significance. Review status: criteria provided, multiple submitters, no conflicts (2 of 4 stars). 2 submissions from 2 submitters: Uncertain significance (2). Last evaluated 2024-11-10.

Conditions:
Inborn genetic diseases. Identifiers: MedGen C0950123, MeSH D030342.

Allele frequency attached by ClinVar (database versions not stated): gnomAD 0.00001; gnomAD exomes 0.00002 and 0.00004; TOPMed 0.00002; ESP Exome Variant Server 0.00008.
gnomAD v4.1: 61 of 1,613,822 alleles (0.0038%); highest among the groups gnomAD compares: Non-Finnish European, 0.005%; no homozygotes.

Submissions (2):

Ambry Genetics
Classification: Uncertain significance for Inborn genetic diseases. Last evaluated: 2024-11-10. Review status: criteria provided, single submitter. Criteria: Ambry Variant Classification Scheme 2023. Collection method: clinical testing. Allele origin: germline.

Labcorp Genetics (formerly Invitae), Labcorp
Classification: Uncertain significance. Last evaluated: 2023-06-26. Review status: criteria provided, single submitter. Criteria: Invitae Variant Classification Sherloc (09022015). Collection method: clinical testing. Allele origin: germline.
Comment: This sequence change replaces glutamic acid, which is acidic and polar, with lysine, which is basic and polar, at codon 493 of the ACBD5 protein (p.Glu493Lys). In summary, the available evidence is currently insufficient to determine the role of this variant in disease. Therefore, it has been classified as a Variant of Uncertain Significance. Advanced modeling of protein sequence and biophysical properties (such as structural, functional, and spatial information, amino acid conservation, physicochemical variation, residue mobility, and thermodynamic stability) performed at Invitae indicates that this missense variant is not expected to disrupt ACBD5 protein function. ClinVar contains an entry for this variant (Variation ID: 939196). This variant has not been reported in the literature in individuals affected with ACBD5-related conditions. This variant is present in population databases (rs144945606, gnomAD 0.004%).

NM_145698.5(ACBD5):c.1477G>A (p.Glu493Lys)

Gene: ACBD5 (acyl-CoA binding domain containing 5; minus strand). Cytogenetic location: 10p12.1.
Variant type: single nucleotide variant.
Coding change: c.1477G>A on transcript NM_145698.5 (MANE Select); coding-DNA position 1477, G replaced by A.
Protein change: p.Glu493Lys; replaces glutamic acid 493 with lysine.
Molecular consequence: missense variant.
Genome position (GRCh38, 1-based): chr10:27,204,528, C>T on the plus strand (G>A on the coding strand, the complement: ACBD5 is on the minus strand). VCF-style: chr10-27204528-C-T. GRCh37 (hg19) VCF-style: chr10-27493457-C-T.
Other names: c.1372G>A, p.Glu458Lys (NM_001042473.4, NM_001352577.2, NM_001352578.2 and 1 more transcripts); c.1471G>A, p.Glu491Lys (NM_001271512.3); c.1150G>A, p.Glu384Lys (NM_001301251.2, NM_001301252.2, NM_001301253.2 and 2 more transcripts); c.946G>A, p.Glu316Lys (NM_001301254.2); c.1531G>A, p.Glu511Lys (NM_001352568.1); c.1510G>A, p.Glu504Lys (NM_001352569.1); c.1477G>A, p.Glu493Lys (NM_001352570.1); c.1504G>A, p.Glu502Lys (NM_001352571.1); and 11 more; short protein forms E316K, E390K, E440K, E469K, E491K, E502K, E511K, E395K.
Identifiers: ClinVar variation 939196 (VCV000939196.11), dbSNP rs144945606, ClinGen allele CA204461332.